The following is an entry in ClinVar:

NM_021008.4(DEAF1):c.63_80dup (p.Ala30_Ala31insValAlaAlaAlaAlaAla)

Gene: DEAF1 (DEAF1 transcription factor; minus strand). Cytogenetic location: 11p15.5.
Variant type: Duplication.
Coding change: c.63_80dup on transcript NM_021008.4 (MANE Select); coding-DNA positions 63 to 80, 18 bases duplicated (CGCGGCCGCTGTGGCGGC).
Protein change: p.Ala30_Ala31insValAlaAlaAlaAlaAla.
Molecular consequence: inframe insertion. On other transcripts: inframe indel (1), intron variant (1).
Genome position (GRCh38, 1-based): chr11:694,968-694,985, GCCGCCACAGCGGCCGCG duplicated on the plus strand (CGCGGCCGCTGTGGCGGC on the coding strand, the reverse complement: DEAF1 is on the minus strand); duplicating any 18 consecutive bases within chr11:694,968-694,993 gives the same sequence; the c. name uses the placement nearest the transcript's 3' end. VCF-style (leftmost placement, unchanged base first): chr11-694967-C-CGCCGCCACAGCGGCCGCG. GRCh37 (hg19) VCF-style: chr11-694967-C-CGCCGCCACAGCGGCCGCG.
Other names: c.55_72dup, p.Ala30_Ala31insValAlaAlaAlaAlaAla (NM_001293634.2); c.-437-3387_-437-3370dup (NM_001367390.1).
Identifiers: ClinVar variation 2028232 (VCV002028232.4), dbSNP rs1461468531, ClinGen allele CA2580083869.

ClinVar aggregate classification (germline): Uncertain significance (1 of 4 stars; one submission).

Submission:

Labcorp Genetics (formerly Invitae), Labcorp
Classification: Uncertain significance. Last evaluated: 2023-07-03. Review status: criteria provided, single submitter. Criteria: Invitae Variant Classification Sherloc (09022015). Collection method: clinical testing. Allele origin: germline.
Comment: In summary, the available evidence is currently insufficient to determine the role of this variant in disease. Therefore, it has been classified as a Variant of Uncertain Significance. This variant, c.63_80dup, results in the insertion of 6 amino acid(s) of the DEAF1 protein (p.Val25_Ala30dup), but otherwise preserves the integrity of the reading frame. This variant is not present in population databases (gnomAD no frequency). This variant has not been reported in the literature in individuals affected with DEAF1-related conditions. ClinVar contains an entry for this variant (Variation ID: 2028232).